The following is an entry in ClinVar:

NM_033026.6(PCLO):c.9679A>G (p.Lys3227Glu)

Gene: PCLO (piccolo presynaptic cytomatrix protein; minus strand). Cytogenetic location: 7q21.11.
Variant type: single nucleotide variant.
Coding change: c.9679A>G on transcript NM_033026.6 (MANE Select); coding-DNA position 9679, A replaced by G.
Protein change: p.Lys3227Glu; replaces lysine 3227 with glutamic acid.
Molecular consequence: missense variant.
Genome position (GRCh38, 1-based): chr7:82,950,909, T>C on the plus strand (A>G on the coding strand, the complement: PCLO is on the minus strand). VCF-style: chr7-82950909-T-C. GRCh37 (hg19) VCF-style: chr7-82580225-T-C.
Other names: c.9679A>G, p.Lys3227Glu (NM_014510.3); short protein forms K3227E.
Identifiers: ClinVar variation 1386220 (VCV001386220.4), dbSNP rs2116423986, ClinGen allele CA367907730.
Genomic context (GRCh38, chr7:82,950,909, plus strand): 5'-CTCGGAACCTTTGAATTTCCTGACGTTCCCACTCCAATTCCTCAGCAAAGCGCTGTTGCT[T>C]AATTTTCTCCAGTTCCAGGAGCTCACGCTCCAAGTCTAGCTGCTGCTGTTGTTTATCTTC-3'
Protein context (NP_149015.2, residues 3217-3237): ERELLELEKI[Lys3227Glu]QQRFAEELEW

ClinVar aggregate classification (germline): Uncertain significance (1 of 4 stars; one submission).

Submission:

Labcorp Genetics (formerly Invitae), Labcorp
Classification: Uncertain significance. Last evaluated: 2021-08-03. Review status: criteria provided, single submitter. Criteria: Invitae Variant Classification Sherloc (09022015). Collection method: clinical testing. Allele origin: germline.
Comment: In summary, the available evidence is currently insufficient to determine the role of this variant in disease. Therefore, it has been classified as a Variant of Uncertain Significance. Algorithms developed to predict the effect of missense changes on protein structure and function are either unavailable or do not agree on the potential impact of this missense change (SIFT: "Deleterious"; PolyPhen-2: "Not Available"; Align-GVGD: "Class C0"). This variant has not been reported in the literature in individuals affected with PCLO-related conditions. This variant is not present in population databases (ExAC no frequency). This sequence change replaces lysine with glutamic acid at codon 3227 of the PCLO protein (p.Lys3227Glu). The lysine residue is highly conserved and there is a small physicochemical difference between lysine and glutamic acid.